The following is an entry in ClinVar:

ClinVar aggregate classification (germline): Uncertain significance (1 of 4 stars; one submission).

Submission:

Labcorp Genetics (formerly Invitae), Labcorp
Classification: Uncertain significance. Last evaluated: 2025-12-02. Review status: criteria provided, single submitter. Criteria: Invitae Variant Classification Sherloc (09022015). Collection method: clinical testing. Allele origin: germline.
Comment: This sequence change creates a premature translational stop signal (p.Asn147Ilefs*10) in the IL18BP gene. While this is not anticipated to result in nonsense mediated decay, it is expected to disrupt the last 48 amino acid(s) of the IL18BP protein. This variant is not present in population databases (gnomAD no frequency). This variant has not been reported in the literature in individuals affected with IL18BP-related conditions. Algorithms developed to predict the effect of sequence changes on RNA splicing suggest that this variant may disrupt the consensus splice site. In summary, the available evidence is currently insufficient to determine the role of this variant in disease. Therefore, it has been classified as a Variant of Uncertain Significance.

NM_001039660.2(IL18BP):c.439_440insT (p.Asn147fs)

Gene: IL18BP (interleukin 18 binding protein; plus strand). Cytogenetic location: 11q13.4.
Variant type: Insertion.
Coding change: c.439_440insT on transcript NM_001039660.2 (MANE Select); coding-DNA positions 439 to 440, T inserted.
Protein change: p.Asn147fs; shifts the reading frame from asparagine 147.
Molecular consequence: frameshift variant. On other transcripts: intron variant (2).
Genome position: GRCh38 VCF-style: chr11-72001484-A-AT. GRCh37 (hg19) VCF-style: chr11-71712530-A-AT.
Other names: c.439_440insT, p.Asn147fs (NM_001039659.2, NM_001145057.1, NM_005699.3 and 1 more transcripts); c.379+60_379+61insT (NM_173044.3); c.236-300_236-299insT (NM_001145055.1); short protein forms N147fs.
Identifiers: ClinVar variation 4807361 (VCV004807361.1).